The following is an entry in ClinVar:

ClinVar aggregate classification (germline): Likely pathogenic (1 of 4 stars; one submission).

Conditions:
Patterned dystrophy of the retinal pigment epithelium (MDPT1). Identifiers: Orphanet 63454, MedGen C1868569, MONDO:0018973.

Submission:

DBGen Ocular Genomics
Classification: Likely pathogenic for Patterned dystrophy of the retinal pigment epithelium. Last evaluated: 2023-01-01. Review status: criteria provided, single submitter. Criteria: ACMG Guidelines, 2015. Collection method: clinical testing. Allele origin: unknown. Inheritance: Autosomal dominant inheritance. Affected: yes.
Comment: Class 4 ACMG Guidelines, 2015 (PMID:25741868)

NM_000322.5(PRPH2):c.917G>A (p.Trp306Ter)

Gene: PRPH2 (peripherin 2; minus strand). Cytogenetic location: 6p21.1.
Variant type: single nucleotide variant.
Coding change: c.917G>A on transcript NM_000322.5 (MANE Select); coding-DNA position 917, G replaced by A.
Protein change: p.Trp306Ter; replaces tryptophan 306 with a stop codon.
Molecular consequence: nonsense.
Genome position (GRCh38, 1-based): chr6:42,698,419, C>T on the plus strand (G>A on the coding strand, the complement: PRPH2 is on the minus strand). VCF-style: chr6-42698419-C-T. GRCh37 (hg19) VCF-style: chr6-42666157-C-T.
Other names: short protein forms W306*.
Identifiers: ClinVar variation 2628027 (VCV002628027.2), dbSNP rs2548298343, ClinGen allele CA364133140.